The following is an entry in ClinVar:

ClinVar aggregate classification (germline): Uncertain significance (1 of 4 stars; one submission).

Conditions:
RYR1-related disorder. Also called: RYR1-related condition; RYR1-related disorders. Identifiers: MedGen CN239331.

Submission:

Labcorp Genetics (formerly Invitae), Labcorp
Classification: Uncertain significance for RYR1-related disorder. Last evaluated: 2024-06-12. Review status: criteria provided, single submitter. Criteria: Invitae Variant Classification Sherloc (09022015). Collection method: clinical testing. Allele origin: germline.
Comment: This sequence change replaces isoleucine, which is neutral and non-polar, with methionine, which is neutral and non-polar, at codon 559 of the RYR1 protein (p.Ile559Met). This variant is not present in population databases (gnomAD no frequency). This variant has not been reported in the literature in individuals affected with RYR1-related conditions. Advanced modeling of protein sequence and biophysical properties (such as structural, functional, and spatial information, amino acid conservation, physicochemical variation, residue mobility, and thermodynamic stability) has been performed at Invitae for this missense variant, however the output from this modeling did not meet the statistical confidence thresholds required to predict the impact of this variant on RYR1 protein function. In summary, the available evidence is currently insufficient to determine the role of this variant in disease. Therefore, it has been classified as a Variant of Uncertain Significance.

NM_000540.3(RYR1):c.1677C>G (p.Ile559Met)

Gene: RYR1 (ryanodine receptor 1; plus strand). Cytogenetic location: 19q13.2.
Variant type: single nucleotide variant.
Coding change: c.1677C>G on transcript NM_000540.3 (MANE Select); coding-DNA position 1677, C replaced by G.
Protein change: p.Ile559Met; replaces isoleucine 559 with methionine.
Molecular consequence: missense variant.
Genome position (GRCh38, 1-based): chr19:38,455,637, C>G. VCF-style: chr19-38455637-C-G. GRCh37 (hg19) VCF-style: chr19-38946277-C-G.
Other names: c.1677C>G, p.Ile559Met (NM_001042723.2); short protein forms I559M.
Identifiers: ClinVar variation 3636223 (VCV003636223.2).